The following is an entry in ClinVar:

NM_000377.3(WAS):c.343C>T (p.His115Tyr)

Gene: WAS (WASP actin nucleation promoting factor; plus strand). Cytogenetic location: Xp11.23.
Variant type: single nucleotide variant.
Coding change: c.343C>T on transcript NM_000377.3 (MANE Select); coding-DNA position 343, C replaced by T.
Protein change: p.His115Tyr; replaces histidine 115 with tyrosine.
Molecular consequence: missense variant.
Genome position (GRCh38, 1-based): chrX:48,685,616, C>T. VCF-style: chrX-48685616-C-T. GRCh37 (hg19) VCF-style: chrX-48544005-C-T.
Other names: short protein forms H115Y.
Identifiers: ClinVar variation 3895723 (VCV003895723.1).

ClinVar aggregate classification (germline): Likely pathogenic (1 of 4 stars; one submission).

Conditions:
Wiskott-Aldrich syndrome (WAS). Also called: ALDRICH SYNDROME; IMMUNODEFICIENCY 2; WISKOTT-ALDRICH SYNDROME 1; Wiskott-aldrich syndrome, somatic. Identifiers: Orphanet 906, MedGen C0043194, MONDO:0010518, OMIM 301000.

Submission:

Women's Health and Genetics/Laboratory Corporation of America, LabCorp
Classification: Likely pathogenic for Wiskott-Aldrich syndrome. Last evaluated: 2025-03-11. Review status: criteria provided, single submitter. Criteria: LabCorp Variant Classification Summary - May 2015. Collection method: clinical testing. Allele origin: germline.
Comment: Variant summary: WAS c.343C>T (p.His115Tyr) results in a conservative amino acid change in the encoded protein sequence. Four of five in-silico tools predict a damaging effect of the variant on protein function. The variant was absent in 160278 control chromosomes. c.343C>T has been reported in the literature in individuals affected with Wiskott-Aldrich Syndrome (Thompson_1999, Kaneko_2018). These data indicate that the variant may be associated with disease. At least one publication reports experimental evidence evaluating an impact on protein function, and shows that this variant affects protein localization (Rajmohan_2009). The following publications have been ascertained in the context of this evaluation (PMID: 29348920, 19817875, 10575547). No submitters have cited clinical-significance assessments for this variant to ClinVar. Based on the evidence outlined above, the variant was classified as likely pathogenic.

Literature cited by the submitters: PubMed 10575547; PubMed 19817875; PubMed 29348920.